The following is an entry in ClinVar:

NM_152383.5(DIS3L2):c.1903A>G (p.Ser635Gly)

Gene: DIS3L2 (DIS3 like 3'-5' exoribonuclease 2; plus strand). Cytogenetic location: 2q37.1.
Variant type: single nucleotide variant.
Coding change: c.1903A>G on transcript NM_152383.5 (MANE Select); coding-DNA position 1903, A replaced by G.
Protein change: p.Ser635Gly; replaces serine 635 with glycine.
Molecular consequence: missense variant. On other transcripts: non-coding transcript variant (2), intron variant (1).
Genome position (GRCh38, 1-based): chr2:232,329,976, A>G. VCF-style: chr2-232329976-A-G. GRCh37 (hg19) VCF-style: chr2-233194686-A-G.
Other names: c.1582-13369A>G (NM_001257281.2); short protein forms S635G.
Identifiers: ClinVar variation 848839 (VCV000848839.10), dbSNP rs1695688298, ClinGen allele CA350976269.

ClinVar aggregate classification (germline): Uncertain significance. Review status: criteria provided, multiple submitters, no conflicts (2 of 4 stars). 2 submissions from 2 submitters: Uncertain significance (2). Last evaluated 2025-05-04.

Conditions:
Inborn genetic diseases. Identifiers: MedGen C0950123, MeSH D030342.
Perlman syndrome (PRLMNS). Identifiers: Orphanet 2849, MedGen C0796113, MONDO:0009965, OMIM 267000.

Allele frequency attached by ClinVar (database versions not stated): gnomAD exomes below 0.00001.
gnomAD v4.1: 6 of 1,611,960 alleles (0.00037%); highest among the groups gnomAD compares: Non-Finnish European, 0.00051%; no homozygotes.

Submissions (2):

Ambry Genetics
Classification: Uncertain significance for Inborn genetic diseases. Last evaluated: 2025-05-04. Review status: criteria provided, single submitter. Criteria: Ambry Variant Classification Scheme 2023. Collection method: clinical testing. Allele origin: germline.

Labcorp Genetics (formerly Invitae), Labcorp
Classification: Uncertain significance for Perlman syndrome. Last evaluated: 2025-03-24. Review status: criteria provided, single submitter. Criteria: Invitae Variant Classification Sherloc (09022015). Collection method: clinical testing. Allele origin: germline.
Comment: This sequence change replaces serine, which is neutral and polar, with glycine, which is neutral and non-polar, at codon 635 of the DIS3L2 protein (p.Ser635Gly). This variant is not present in population databases (gnomAD no frequency). This variant has not been reported in the literature in individuals affected with DIS3L2-related conditions. ClinVar contains an entry for this variant (Variation ID: 848839). Invitae Evidence Modeling of protein sequence and biophysical properties (such as structural, functional, and spatial information, amino acid conservation, physicochemical variation, residue mobility, and thermodynamic stability) indicates that this missense variant is not expected to disrupt DIS3L2 protein function with a negative predictive value of 80%. In summary, the available evidence is currently insufficient to determine the role of this variant in disease. Therefore, it has been classified as a Variant of Uncertain Significance.